The following is an entry in ClinVar:

ClinVar aggregate classification (germline): Uncertain significance. Review status: criteria provided, multiple submitters, no conflicts (2 of 4 stars). 7 submissions from 7 submitters: Uncertain significance (6). 1 of the submissions does not count toward it. Last evaluated 2025-09-16.

Conditions:
BRIP1-related disorder. Also called: BRIP1-related condition; BRIP1-related disorders. Identifiers: MedGen CN239206.
Hereditary cancer-predisposing syndrome. Also called: Neoplastic Syndromes, Hereditary; Hereditary Cancer Syndrome; Tumor predisposition; Hereditary neoplastic syndrome. Identifiers: Orphanet 140162, MedGen C0027672, MeSH D009386, MONDO:0015356.
Fanconi anemia complementation group J. Also called: BRIP1-Related Fanconi Anemia. Identifiers: Orphanet 84, MedGen C1836860, MONDO:0012187, OMIM 609054.
Familial cancer of breast. Also called: BREAST CANCER, FAMILIAL; Hereditary breast cancer; hereditary breast carcinoma. Identifiers: Orphanet 227535, MedGen C0346153, MONDO:0016419, OMIM 114480. Disease mechanism: loss of function.

Allele frequency attached by ClinVar (database versions not stated): TOPMed 0.00003; gnomAD exomes below 0.00001; gnomAD 0.00001.
gnomAD v4.1: 8 of 1,611,002 alleles (0.0005%); highest among the groups gnomAD compares: African/African-American, 0.0067%; no homozygotes.

Submissions (7):

Labcorp Genetics (formerly Invitae), Labcorp
Classification: Uncertain significance for Familial cancer of breast; Fanconi anemia complementation group J. Last evaluated: 2025-09-16. Review status: criteria provided, single submitter. Criteria: Invitae Variant Classification Sherloc (09022015). Collection method: clinical testing. Allele origin: germline.
Comment: This sequence change replaces tyrosine, which is neutral and polar, with cysteine, which is neutral and slightly polar, at codon 311 of the BRIP1 protein (p.Tyr311Cys). This variant is present in population databases (rs587782731, gnomAD 0.0009%). This missense change has been observed in individual(s) with breast cancer (PMID: 33646313). ClinVar contains an entry for this variant (Variation ID: 142806). Invitae Evidence Modeling of protein sequence and biophysical properties (such as structural, functional, and spatial information, amino acid conservation, physicochemical variation, residue mobility, and thermodynamic stability) has been performed for this missense variant. However, the output from this modeling did not meet the statistical confidence thresholds required to predict the impact of this variant on BRIP1 protein function. In summary, the available evidence is currently insufficient to determine the role of this variant in disease. Therefore, it has been classified as a Variant of Uncertain Significance.

Baylor Genetics
Classification: Uncertain significance for Familial cancer of breast. Last evaluated: 2024-03-29. Review status: criteria provided, single submitter. Criteria: ACMG Guidelines, 2015. Collection method: clinical testing. Allele origin: unknown.

GeneDx
Classification: Uncertain significance. Last evaluated: 2024-02-21. Review status: criteria provided, single submitter. Criteria: GeneDx Variant Classification Process June 2021. Collection method: clinical testing. Allele origin: germline.
Comment: Observed in an individual with breast or ovarian cancer and in an individual with colorectal cancer who also carried a truncating variant in MLH1 (PMID: 33646313, 34326862); In silico analysis supports that this missense variant does not alter protein structure/function; Not observed at significant frequency in large population cohorts (gnomAD); This variant is associated with the following publications: (PMID: 34326862, 33646313)

Ambry Genetics
Classification: Uncertain significance for Hereditary cancer-predisposing syndrome. Last evaluated: 2023-10-10. Review status: criteria provided, single submitter. Criteria: Ambry Variant Classification Scheme 2023. Collection method: clinical testing. Allele origin: germline.
Comment: The p.Y311C variant (also known as c.932A>G), located in coding exon 7 of the BRIP1 gene, results from an A to G substitution at nucleotide position 932. The tyrosine at codon 311 is replaced by cysteine, an amino acid with highly dissimilar properties. This amino acid position is not well conserved in available vertebrate species. In addition, this alteration is predicted to be tolerated by in silico analysis. Since supporting evidence is limited at this time, the clinical significance of this alteration remains unclear.

Quest Diagnostics Nichols Institute San Juan Capistrano
Classification: Uncertain significance. Last evaluated: 2019-12-11. Review status: criteria provided, single submitter. Criteria: Quest Diagnostics criteria. Collection method: clinical testing. Allele origin: unknown.

Color Diagnostics, LLC DBA Color Health
Classification: Uncertain significance for Hereditary cancer-predisposing syndrome. Last evaluated: 2019-05-07. Review status: criteria provided, single submitter. Criteria: ACMG Guidelines, 2015. Collection method: clinical testing. Allele origin: germline.

PreventionGenetics, part of Exact Sciences
Classification: Uncertain significance for BRIP1-related condition. Last evaluated: 2024-04-30. Review status: no assertion criteria provided. Collection method: clinical testing. Allele origin: germline. Not counted in ClinVar's aggregate classification.
Comment: The BRIP1 c.932A>G variant is predicted to result in the amino acid substitution p.Tyr311Cys. This variant has been reported with uncertain significance in individuals with breast and/or ovarian cancer (Table S4, Bhai et al. 2021. PubMed ID: 34326862; eTable 3, George et al. 2021. PubMed ID: 33646313). This variant is reported in 0.00088% of alleles in individuals of European (Non-Finnish) descent in gnomAD and is interpreted as uncertain in ClinVar. At this time, the clinical significance of this variant is uncertain due to the absence of conclusive functional and genetic evidence.

Literature cited by the submitters: PubMed 33646313 (cited by Labcorp Genetics (formerly Invitae), Labcorp and Ambry Genetics).

NM_032043.3(BRIP1):c.932A>G (p.Tyr311Cys)

Gene: BRIP1 (BRCA1 interacting DNA helicase 1; minus strand). Cytogenetic location: 17q23.2.
Variant type: single nucleotide variant.
Coding change: c.932A>G on transcript NM_032043.3 (MANE Select); coding-DNA position 932, A replaced by G.
Protein change: p.Tyr311Cys; replaces tyrosine 311 with cysteine.
Molecular consequence: missense variant.
Genome position (GRCh38, 1-based): chr17:61,801,461, T>C on the plus strand (A>G on the coding strand, the complement: BRIP1 is on the minus strand). VCF-style: chr17-61801461-T-C. GRCh37 (hg19) VCF-style: chr17-59878822-T-C.
Other names: short protein forms Y311C.
Identifiers: ClinVar variation 142806 (VCV000142806.25), dbSNP rs587782731, ClinGen allele CA169453.